The following is an entry in ClinVar:

NM_000321.3(RB1):c.501-2A>C

Gene: RB1 (RB transcriptional corepressor 1; plus strand). Cytogenetic location: 13q14.2.
Variant type: single nucleotide variant.
Coding change: c.501-2A>C on transcript NM_000321.3 (MANE Select); the canonical splice acceptor site of the intron before coding-DNA position 501, A replaced by C.
Molecular consequence: splice acceptor variant.
Genome position (GRCh38, 1-based): chr13:48,347,823, A>C. VCF-style: chr13-48347823-A-C. GRCh37 (hg19) VCF-style: chr13-48921959-A-C.
Other names: c.501-2A>C (NM_001407165.1, NM_001407166.1).
Identifiers: ClinVar variation 3430897 (VCV003430897.1).

ClinVar aggregate classification (germline): Uncertain significance (1 of 4 stars; one submission).

Conditions:
Hereditary cancer-predisposing syndrome. Also called: Neoplastic Syndromes, Hereditary; Tumor predisposition; Hereditary Cancer Syndrome; Hereditary neoplastic syndrome. Identifiers: Orphanet 140162, MedGen C0027672, MeSH D009386, MONDO:0015356.

Submission:

Ambry Genetics
Classification: Uncertain significance for Hereditary cancer-predisposing syndrome. Last evaluated: 2024-10-11. Review status: criteria provided, single submitter. Criteria: Ambry Variant Classification Scheme 2023. Collection method: clinical testing. Allele origin: germline.
Comment: The c.501-2A>C intronic variant results from an A to C substitution two nucleotides upstream from coding exon 5 in the RB1 gene. Alterations that disrupt the canonical splice site are expected to result in aberrant splicing. In silico splice site analysis predicts that this alteration will weaken the native splice acceptor site. The resulting transcript is predicted to be in-frame and is not expected to trigger nonsense-mediated mRNAdecay; however, direct evidence is unavailable. The exact functional effect of the altered amino acid sequence is unknown. This nucleotide position is highly conserved in available vertebrate species. Based on the available evidence, the clinical significance of this variant remains unclear.